The following is an entry in ClinVar:

NM_000101.4(CYBA):c.261C>G (p.Tyr87Ter)

Gene: CYBA (cytochrome b-245 alpha chain; minus strand). Cytogenetic location: 16q24.2.
Variant type: single nucleotide variant.
Coding change: c.261C>G on transcript NM_000101.4 (MANE Select); coding-DNA position 261, C replaced by G.
Protein change: p.Tyr87Ter; replaces tyrosine 87 with a stop codon.
Molecular consequence: nonsense.
Genome position (GRCh38, 1-based): chr16:88,646,781, G>C on the plus strand (C>G on the coding strand, the complement: CYBA is on the minus strand). VCF-style: chr16-88646781-G-C. GRCh37 (hg19) VCF-style: chr16-88713189-G-C.
Other names: short protein forms Y87*.
Identifiers: ClinVar variation 636575 (VCV000636575.11), dbSNP rs779809359, ClinGen allele CA397064379.
Genomic context (GRCh38, chr16:88,646,781, plus strand): 5'-TGAGCCCTAGAGGGGGTGCGGGACGGGGACTCACAGGAGATGCAGGACGGCCCGAACATA[G>C]TAATTCCTGGTAAAGGGCCCGAACAGCTTCACCACGGCGGTCATGTACTTCTGTCCCCTG-3'

ClinVar aggregate classification (germline): Pathogenic. Review status: criteria provided, multiple submitters, no conflicts (2 of 4 stars). 3 submissions from 3 submitters: Pathogenic (3). Last evaluated 2024-11-27.

Conditions:
Chronic granulomatous disease. Identifiers: Orphanet 379, MedGen C0018203, MONDO:0018305.
Granulomatous disease, chronic, autosomal recessive, cytochrome b-negative. Also called: CYBA DEFICIENCY; GRANULOMATOUS DISEASE, CHRONIC, AUTOSOMAL RECESSIVE, 4; Chronic granulomatous disease, autosomal, due to deficiency of CYBA; CGD DUE TO DEFICIENCY OF THE ALPHA SUBUNIT OF CYTOCHROME b; CGD, AUTOSOMAL RECESSIVE CYTOCHROME b-NEGATIVE. Identifiers: Orphanet 379, MedGen C1856255, MONDO:0009308, OMIM 233690.
CYBA-related disorder. Also called: CYBA-related condition.

Submissions (3):

Labcorp Genetics (formerly Invitae), Labcorp
Classification: Pathogenic for Granulomatous disease, chronic, autosomal recessive, cytochrome b-negative. Last evaluated: 2024-11-27. Review status: criteria provided, single submitter. Criteria: Invitae Variant Classification Sherloc (09022015). Collection method: clinical testing. Allele origin: germline.
Comment: This sequence change creates a premature translational stop signal (p.Tyr87*) in the CYBA gene. It is expected to result in an absent or disrupted protein product. Loss-of-function variants in CYBA are known to be pathogenic (PMID: 10910929, 20167518, 22876374). This variant is not present in population databases (gnomAD no frequency). This premature translational stop signal has been observed in individual(s) with chronic granulomatous disease (PMID: 20167518). ClinVar contains an entry for this variant (Variation ID: 636575). For these reasons, this variant has been classified as Pathogenic.

Natera, Inc.
Classification: Pathogenic for Chronic granulomatous disease. Last evaluated: 2024-06-26. Review status: criteria provided, single submitter. Criteria: Natera Variant Classification Schema (03/2026). Collection method: clinical testing. Allele origin: germline.
Comment: The c.261C>G variant in CYBA is a nonsense variant predicted to introduce a stop codon at amino acid 87. This variant is expected to result in nonsense mediated decay, truncation, or a dysfunctional protein product. This variant is rare in the general population with a frequency below the threshold expected for the associated phenotype(s). This variant has been observed in one or more individuals affected with the associated recessive disease, as either homozygous or compound heterozygous with a second variant (PMID: 21190454). Given the available evidence, this variant is classified as Pathogenic.

Blueprint Genetics
Classification: Pathogenic for CYBA-related disorders. Last evaluated: 2023-01-27. Review status: criteria provided, single submitter. Criteria: ACMG Guidelines, 2015. Collection method: clinical testing. Allele origin: germline. Affected: yes. Observed: 4 variant alleles.

Literature cited by the submitters: PubMed 10910929 (cited by Labcorp Genetics (formerly Invitae), Labcorp); PubMed 20167518 (cited by Labcorp Genetics (formerly Invitae), Labcorp); PubMed 22876374 (cited by Labcorp Genetics (formerly Invitae), Labcorp); PubMed 21190454 (cited by Natera, Inc.).